The following is an entry in ClinVar:

ClinVar aggregate classification (germline): Conflicting classifications of pathogenicity. Review status: criteria provided, conflicting classifications (1 of 4 stars). 8 submissions from 4 submitters: Uncertain significance (5); Likely benign (2). 1 of the submissions does not count toward it. Last evaluated 2025-12-16.

Conditions:
Early-onset myopathy with fatal cardiomyopathy (CMYO5). Also called: Salih Myopathy; CONGENITAL MYOPATHY 5 WITH CARDIOMYOPATHY. Identifiers: Orphanet 289377, MedGen C2673677, MONDO:0012714, OMIM 611705. Disease mechanism: loss of function.
Tibial muscular dystrophy (TMD). Also called: Tibial muscular dystrophy, tardive; UDD MYOPATHY; Udd Distal Myopathy – Tibial Muscular Dystrophy. Identifiers: Orphanet 609, MedGen C1838244, MONDO:0010870, OMIM 600334.
Dilated cardiomyopathy 1G (CMD1G). Identifiers: Orphanet 154, MedGen C1858763, MONDO:0011400, OMIM 604145.
Autosomal recessive limb-girdle muscular dystrophy type 2J (LGMDR10). Also called: Limb-girdle muscular dystrophy, type 2J; MUSCULAR DYSTROPHY, LIMB-GIRDLE, AUTOSOMAL RECESSIVE 10. Identifiers: Orphanet 140922, MedGen C1837342, MONDO:0012127, OMIM 608807.
Myopathy, myofibrillar, 9, with early respiratory failure (MFM9). Also called: Hereditary myopathy with early respiratory failure; Myopathy, distal, with early respiratory failure, autosomal dominant; EDSTROM MYOPATHY; MYOPATHY, PROXIMAL, WITH EARLY RESPIRATORY MUSCLE INVOLVEMENT. Identifiers: Orphanet 178464, Orphanet 34521, MedGen C1863599, MONDO:0011362, OMIM 603689.
TTN-related disorder. Also called: TTN-related disorders; TTN-related condition; TTN-related disease.

Allele frequency attached by ClinVar (database versions not stated): ExAC 0.00002; gnomAD exomes 0.00002; gnomAD 0.00003; TOPMed 0.00003; ESP Exome Variant Server 0.00008.
gnomAD v4.1: 39 of 1,614,164 alleles (0.0024%); highest among the groups gnomAD compares: East Asian, 0.058%; 1 homozygote.

Submissions (8):

Labcorp Genetics (formerly Invitae), Labcorp
Classification: Likely benign for Dilated cardiomyopathy 1G; Autosomal recessive limb-girdle muscular dystrophy type 2J. Last evaluated: 2025-12-16. Review status: criteria provided, single submitter. Criteria: Invitae Variant Classification Sherloc (09022015). Collection method: clinical testing. Allele origin: germline.

Blueprint Genetics
Classification: Likely benign. Last evaluated: 2023-12-04. Review status: criteria provided, single submitter. Criteria: ACMG Guidelines, 2015. Collection method: clinical testing. Allele origin: germline.

Illumina Laboratory Services, Illumina
Classification: Uncertain significance for Myopathy, myofibrillar, 9, with early respiratory failure. Last evaluated: 2018-01-12. Review status: criteria provided, single submitter. Criteria: ICSL Variant Classification Criteria 13 December 2019. Collection method: clinical testing. Allele origin: germline.

Illumina Laboratory Services, Illumina
Classification: Uncertain significance for Tibial muscular dystrophy. Last evaluated: 2018-01-12. Review status: criteria provided, single submitter. Criteria: ICSL Variant Classification Criteria 13 December 2019. Collection method: clinical testing. Allele origin: germline.

Illumina Laboratory Services, Illumina
Classification: Uncertain significance for Autosomal recessive limb-girdle muscular dystrophy type 2J. Last evaluated: 2018-01-12. Review status: criteria provided, single submitter. Criteria: ICSL Variant Classification Criteria 13 December 2019. Collection method: clinical testing. Allele origin: germline.

Illumina Laboratory Services, Illumina
Classification: Uncertain significance for Dilated cardiomyopathy 1G. Last evaluated: 2018-01-12. Review status: criteria provided, single submitter. Criteria: ICSL Variant Classification Criteria 13 December 2019. Collection method: clinical testing. Allele origin: germline.

Illumina Laboratory Services, Illumina
Classification: Uncertain significance for Early-onset myopathy with fatal cardiomyopathy. Last evaluated: 2018-01-12. Review status: criteria provided, single submitter. Criteria: ICSL Variant Classification Criteria 13 December 2019. Collection method: clinical testing. Allele origin: germline.

PreventionGenetics, part of Exact Sciences
Classification: Likely benign for TTN-related condition. Last evaluated: 2019-08-01. Review status: no assertion criteria provided. Collection method: clinical testing. Allele origin: germline. Not counted in ClinVar's aggregate classification.
Comment: This variant is classified as likely benign based on ACMG/AMP sequence variant interpretation guidelines (Richards et al. 2015 PMID: 25741868, with internal and published modifications).

NM_001267550.2(TTN):c.2370+9A>G

Gene: TTN (titin; minus strand). Cytogenetic location: 2q31.2.
Variant type: single nucleotide variant.
Coding change: c.2370+9A>G on transcript NM_001267550.2 (MANE Select); 9 bases into the intron after coding-DNA position 2370, A replaced by G.
Molecular consequence: intron variant.
Genome position (GRCh38, 1-based): chr2:178,785,839, T>C on the plus strand (A>G on the coding strand, the complement: TTN is on the minus strand). VCF-style: chr2-178785839-T-C. GRCh37 (hg19) VCF-style: chr2-179650566-T-C.
Other names: c.2232+9A>G (NM_003319.4, NM_133437.4, NM_133432.3); c.2370+9A>G (NM_133378.4, NM_001256850.1, NM_133379.5).
Identifiers: ClinVar variation 332966 (VCV000332966.16), dbSNP rs373443384, ClinGen allele CA2005845.
Genomic context (GRCh38, chr2:178,785,839, plus strand): 5'-CCAGATGACCACAGCAGTGAGGCTTGCTTTACCATGAACAAGGTGAAAAATCAGCAGGTA[T>C]AGACTCACCTGTGATGATATGTGCATTCCCTTTTGATCAGTAGTTTTGATATGAGTCTCA-3'